The following is an entry in ClinVar:

ClinVar aggregate classification (germline): Pathogenic (1 of 4 stars; one submission).

Conditions:
Hereditary nonpolyposis colorectal neoplasms. Identifiers: MedGen C0009405, MeSH D003123.

Submission:

Labcorp Genetics (formerly Invitae), Labcorp
Classification: Pathogenic for Hereditary nonpolyposis colorectal neoplasms. Last evaluated: 2025-07-28. Review status: criteria provided, single submitter. Criteria: Invitae Variant Classification Sherloc (09022015). Collection method: clinical testing. Allele origin: germline.
Comment: This sequence change inserts a large fragment of DNA, likely a transposable element, in exon 6 of the MSH6 gene (c.3522_3523ins?), causing a frameshift at codon 1175 (p.Thr1175fs). The exact size and sequence of the insertion cannot be determined by the current assay. However, the insertion is expected to result in an absent or disrupted protein product. This variant is not present in population databases (gnomAD no frequency). This variant has not been reported in the literature in individuals affected with MSH6-related conditions. ClinVar contains an entry for this variant (Variation ID: 2695347). Retrotransposon insertions including LINE1 (L1), Alu, and SVA (SINE-VNTR-Alu) have been reported to be disease-causing through disruption of either a coding region or splice site (PMID: 19763152, 20307669, 22406018) and loss-of-function variants in MSH6 are known to be pathogenic (PMID: 18269114, 24362816). For these reasons, this variant has been classified as Pathogenic.

Literature cited by the submitters: PubMed 19763152; PubMed 20307669; PubMed 22406018; PubMed 18269114; PubMed 24362816.

NM_000179.3(MSH6):c.3522_3523insTTTTTTTTTTTTTTTTTTTTNNNNNNNNNNTGACCTCGTGATCCGCCCGCCTCGGCCTCCCAAAGTGCTGGGATTACAGGCGTGAGCCACCGCGCCCGGCCGATAGAGTGTTT (p.Thr1175delinsPhePhePhePhePhePheXaaXaaXaaXaaTer)

Gene: MSH6 (mutS homolog 6; plus strand). Cytogenetic location: 2p16.3.
Variant type: Insertion.
Coding change: c.3522_3523insTTTTTTTTTTTTTTTTTTTTNNNNNNNNNNTGACCTCGTGATCCGCCCGCCTCGGCCTCCCAAAGTGCTGGGATTACAGGCGTGAGCCACCGCGCCCGGCCGATAGAGTGTTT on transcript NM_000179.3 (MANE Select); coding-DNA positions 3522 to 3523, TTTTTTTTTTTTTTTTTTTTNNNNNNNNNNTGACCTCGTGATCCGCCCGCCTCGGCCTCCCAAAGTGCTGGGATTACAGGCGTGAGCCACCGCGCCCGGCCGATAGAGTGTTT inserted.
Protein change: p.Thr1175delinsPhePhePhePhePhePheXaaXaaXaaXaaTer.
Molecular consequence: nonsense. On other transcripts: non-coding transcript variant (4).
Genome position: GRCh38: chr2:47,804,993-47,804,994. GRCh37 (hg19): chr2:48,032,132-48,032,133.
Other names: c.3522_3523insTTTTTTTTTTTTTTTTTTTTNNNNNNNNNNTGACCTCGTGATCCGCCCGCCTCGGCCTCCCAAAGTGCTGGGATTACAGGCGTGAGCCACCGCGCCCGGCCGATAGAGTGTTT, p.Thr1175delinsPhePhePhePhePhePheXaaXaaXaaXaaTer (NM_001406809.1, NM_001406796.1, NM_001406800.1 and 1 more transcripts); c.2616_2617insTTTTTTTTTTTTTTTTTTTTNNNNNNNNNNTGACCTCGTGATCCGCCCGCCTCGGCCTCCCAAAGTGCTGGGATTACAGGCGTGAGCCACCGCGCCCGGCCGATAGAGTGTTT, p.Thr873delinsPhePhePhePhePhePheXaaXaaXaaXaaTer (NM_001406811.1, NM_001406812.1, NM_001406814.1 and 6 more transcripts); c.3528_3529insTTTTTTTTTTTTTTTTTTTTNNNNNNNNNNTGACCTCGTGATCCGCCCGCCTCGGCCTCCCAAAGTGCTGGGATTACAGGCGTGAGCCACCGCGCCCGGCCGATAGAGTGTTT, p.Thr1177delinsPhePhePhePhePhePheXaaXaaXaaXaaTer (NM_001406813.1); c.1956_1957insTTTTTTTTTTTTTTTTTTTTNNNNNNNNNNTGACCTCGTGATCCGCCCGCCTCGGCCTCCCAAAGTGCTGGGATTACAGGCGTGAGCCACCGCGCCCGGCCGATAGAGTGTTT, p.Thr653delinsPhePhePhePhePhePheXaaXaaXaaXaaTer (NM_001406817.1); c.3132_3133insTTTTTTTTTTTTTTTTTTTTNNNNNNNNNNTGACCTCGTGATCCGCCCGCCTCGGCCTCCCAAAGTGCTGGGATTACAGGCGTGAGCCACCGCGCCCGGCCGATAGAGTGTTT, p.Thr1045delinsPhePhePhePhePhePheXaaXaaXaaXaaTer (NM_001281492.2); c.3618_3619insTTTTTTTTTTTTTTTTTTTTNNNNNNNNNNTGACCTCGTGATCCGCCCGCCTCGGCCTCCCAAAGTGCTGGGATTACAGGCGTGAGCCACCGCGCCCGGCCGATAGAGTGTTT, p.Thr1207delinsPhePhePhePhePhePheXaaXaaXaaXaaTer (NM_001406795.1, NM_001406802.1); c.3225_3226insTTTTTTTTTTTTTTTTTTTTNNNNNNNNNNTGACCTCGTGATCCGCCCGCCTCGGCCTCCCAAAGTGCTGGGATTACAGGCGTGAGCCACCGCGCCCGGCCGATAGAGTGTTT, p.Thr1076delinsPhePhePhePhePhePheXaaXaaXaaXaaTer (NM_001406797.1, NM_001406801.1, NM_001406805.1 and 10 more transcripts); c.3348_3349insTTTTTTTTTTTTTTTTTTTTNNNNNNNNNNTGACCTCGTGATCCGCCCGCCTCGGCCTCCCAAAGTGCTGGGATTACAGGCGTGAGCCACCGCGCCCGGCCGATAGAGTGTTT, p.Thr1117delinsPhePhePhePhePhePheXaaXaaXaaXaaTer (NM_001406798.1); and 7 more.
Identifiers: ClinVar variation 2695347 (VCV002695347.3), dbSNP rs2530803560.